The following is an entry in ClinVar:

ClinVar aggregate classification (germline): Benign (1 of 4 stars; one submission).

Conditions:
Familial cancer of breast. Also called: Hereditary breast cancer; BREAST CANCER, FAMILIAL; hereditary breast carcinoma. Identifiers: Orphanet 227535, MedGen C0346153, MONDO:0016419, OMIM 114480. Disease mechanism: loss of function.

Submission:

Myriad Genetics, Inc.
Classification: Benign for Familial cancer of breast. Last evaluated: 2024-10-09. Review status: criteria provided, single submitter. Criteria: Myriad Autosomal Dominant, Autosomal Recessive and X-Linked Classification Criteria (2023). Collection method: clinical testing. Allele origin: unknown.
Comment: This variant is considered benign. This variant is a silent/synonymous amino acid change and it is not expected to impact splicing.

NM_007194.4(CHEK2):c.1599A>G (p.Thr533=)

Gene: CHEK2 (checkpoint kinase 2; minus strand). Cytogenetic location: 22q12.1.
Variant type: single nucleotide variant.
Coding change: c.1599A>G on transcript NM_007194.4 (MANE Select); coding-DNA position 1599, A replaced by G.
Protein change: p.Thr533=; no amino-acid change (threonine 533 retained).
Molecular consequence: synonymous variant.
Genome position (GRCh38, 1-based): chr22:28,687,930, T>C on the plus strand (A>G on the coding strand, the complement: CHEK2 is on the minus strand). VCF-style: chr22-28687930-T-C. GRCh37 (hg19) VCF-style: chr22-29083918-T-C.
Other names: c.1728A>G, p.Thr576= (NM_001005735.3); c.936A>G, p.Thr312= (NM_001257387.3); c.1398A>G, p.Thr466= (NM_001349956.3); c.1512A>G, p.Thr504= (NM_145862.3).
Identifiers: ClinVar variation 3773561 (VCV003773561.1).